The following is an entry in ClinVar:

NM_000368.5(TSC1):c.2215C>T (p.Gln739Ter)

Gene: TSC1 (TSC complex subunit 1; minus strand). Cytogenetic location: 9q34.13.
Variant type: single nucleotide variant.
Coding change: c.2215C>T on transcript NM_000368.5 (MANE Select); coding-DNA position 2215, C replaced by T.
Protein change: p.Gln739Ter; replaces glutamine 739 with a stop codon.
Molecular consequence: nonsense.
Genome position (GRCh38, 1-based): chr9:132,902,781, G>A on the plus strand (C>T on the coding strand, the complement: TSC1 is on the minus strand). VCF-style: chr9-132902781-G-A. GRCh37 (hg19) VCF-style: chr9-135778168-G-A.
Other names: c.2212C>T, p.Gln738Ter (NM_001162426.2); c.2062C>T, p.Gln688Ter (NM_001162427.2); c.1852C>T, p.Gln618Ter (NM_001362177.2); c.2215C>T (NM_000368.4); short protein forms Q739*, Q618*, Q738*, Q688*.
Identifiers: ClinVar variation 499737 (VCV000499737.17), dbSNP rs1554815054, ClinGen allele CA375360120.

ClinVar aggregate classification (germline): Pathogenic. Review status: criteria provided, multiple submitters, no conflicts (2 of 4 stars). 5 submissions from 5 submitters: Pathogenic (4). 1 of the submissions does not count toward it. Last evaluated 2025-10-28.

Conditions:
Malignant tumor of urinary bladder. Also called: Urinary Bladder Neoplasms; Bladder cancer; Urinary bladder cancer. Identifiers: MedGen C0005684, MONDO:0001187, OMIM 109800.
Tuberous sclerosis 1 (TSC1). Identifiers: Orphanet 805, MedGen C1854465, MONDO:0008612, OMIM 191100.

Submissions (5):

Labcorp Genetics (formerly Invitae), Labcorp
Classification: Pathogenic for Tuberous sclerosis 1. Last evaluated: 2025-10-28. Review status: criteria provided, single submitter. Criteria: Invitae Variant Classification Sherloc (09022015). Collection method: clinical testing. Allele origin: germline.
Comment: This sequence change creates a premature translational stop signal (p.Gln739*) in the TSC1 gene. It is expected to result in an absent or disrupted protein product. Loss-of-function variants in TSC1 are known to be pathogenic (PMID: 10227394, 17304050). This variant is not present in population databases (gnomAD no frequency). This variant has not been reported in the literature in individuals affected with TSC1-related conditions. ClinVar contains an entry for this variant (Variation ID: 499737). For these reasons, this variant has been classified as Pathogenic.

GeneDx
Classification: Pathogenic. Last evaluated: 2022-07-26. Review status: criteria provided, single submitter. Criteria: GeneDx Variant Classification Process June 2021. Collection method: clinical testing. Allele origin: germline. Affected: yes.
Comment: Observed in a urothelial bladder tumor in the literature (Houd et al., 2015), but additional information was not provided; Nonsense variant predicted to result in protein truncation or nonsense mediated decay in a gene for which loss of function is a known mechanism of disease; Not observed at significant frequency in large population cohorts (gnomAD); This variant is associated with the following publications: (PMID: 24929024, 10227394, 17304050)

Genome-Nilou Lab
Classification: Pathogenic for Tuberous sclerosis 1. Last evaluated: 2021-11-07. Review status: criteria provided, single submitter. Criteria: ACMG Guidelines, 2015. Collection method: clinical testing. Allele origin: germline. Affected: no.

Eurofins Ntd Llc (ga)
Classification: Pathogenic. Last evaluated: 2017-02-07. Review status: criteria provided, single submitter. Criteria: EGL Classification Definitions 2015. Collection method: clinical testing. Allele origin: germline. Observed: 1 variant allele, 1 heterozygote.

Laboratory of Urology, Hospital Clinic de Barcelona
Classification: Pathogenic for Malignant tumor of urinary bladder. Review status: no assertion criteria provided. Collection method: research. Allele origin: somatic. Affected: yes. Not counted in ClinVar's aggregate classification.

Literature cited by the submitters: PubMed 10227394 (cited by Labcorp Genetics (formerly Invitae), Labcorp); PubMed 17304050 (cited by Labcorp Genetics (formerly Invitae), Labcorp).